The following is an entry in ClinVar:

ClinVar aggregate classification (germline): Uncertain significance (1 of 4 stars; one submission).

Conditions:
Regional enteritis. Also called: Enteritis, Granulomatous. Identifiers: MedGen C0678202, MeSH D003424.
Blau syndrome (BLAUS). Also called: GRANULOMATOSIS, FAMILIAL JUVENILE SYSTEMIC; GRANULOMATOSIS, FAMILIAL, BLAU TYPE; GRANULOMATOUS INFLAMMATORY ARTHRITIS, DERMATITIS, AND UVEITIS, FAMILIAL; JABS SYNDROME; ARTHROCUTANEOUVEAL GRANULOMATOSIS. Identifiers: Orphanet 90340, MedGen C5201146, MONDO:0008523, OMIM 186580.

gnomAD v4.1: 9 of 1,555,952 alleles (0.00058%); highest among the groups gnomAD compares: East Asian, 0.0024%; no homozygotes.

Submission:

Labcorp Genetics (formerly Invitae), Labcorp
Classification: Uncertain significance for Regional enteritis; Blau syndrome. Last evaluated: 2024-03-24. Review status: criteria provided, single submitter. Criteria: Invitae Variant Classification Sherloc (09022015). Collection method: clinical testing. Allele origin: germline.
Comment: This sequence change affects codon 24 of the NOD2 mRNA. It is a 'silent' change, meaning that it does not change the encoded amino acid sequence of the NOD2 protein. It affects a nucleotide within the consensus splice site. This variant is not present in population databases (gnomAD no frequency). This variant has not been reported in the literature in individuals affected with NOD2-related conditions. Algorithms developed to predict the effect of sequence changes on RNA splicing suggest that this variant is not likely to affect RNA splicing. In summary, the available evidence is currently insufficient to determine the role of this variant in disease. Therefore, it has been classified as a Variant of Uncertain Significance.

NM_001370466.1(NOD2):c.-8-2173G>C

Gene: NOD2 (nucleotide binding oligomerization domain containing 2; plus strand). Cytogenetic location: 16q12.1.
Variant type: single nucleotide variant.
Coding change: c.-8-2173G>C on transcript NM_001370466.1 (MANE Select); 2173 bases into the intron before 8 bases upstream of the start codon, G replaced by C.
Molecular consequence: intron variant. On other transcripts: synonymous variant (1).
Genome position (GRCh38, 1-based): chr16:50,697,315, G>C. VCF-style: chr16-50697315-G-C. GRCh37 (hg19) VCF-style: chr16-50731226-G-C.
Other names: c.72G>C, p.Pro24= (NM_022162.3).
Identifiers: ClinVar variation 3749732 (VCV003749732.2).